The following is an entry in ClinVar:

NM_001369.3(DNAH5):c.4145A>G (p.Tyr1382Cys)

Genes: DNAH5 (dynein axonemal heavy chain 5; minus strand), DNAH5-AS1 (DNAH5 antisense RNA 1; plus strand). Cytogenetic location: 5p15.2.
Variant type: single nucleotide variant.
Coding change: c.4145A>G on transcript NM_001369.3 (MANE Select); coding-DNA position 4145, A replaced by G.
Protein change: p.Tyr1382Cys; replaces tyrosine 1382 with cysteine.
Molecular consequence: missense variant.
Genome position (GRCh38, 1-based): chr5:13,865,878, T>C on the plus strand (A>G on the coding strand, the complement: DNAH5 is on the minus strand). VCF-style: chr5-13865878-T-C. GRCh37 (hg19) VCF-style: chr5-13865987-T-C.
Other names: short protein forms Y1382C.
Identifiers: ClinVar variation 971583 (VCV000971583.5), dbSNP rs183833827, ClinGen allele CA3204049.

ClinVar aggregate classification (germline): Uncertain significance. Review status: criteria provided, multiple submitters, no conflicts (2 of 4 stars). 2 submissions from 2 submitters: Uncertain significance (2). Last evaluated 2023-06-07.

Conditions:
Primary ciliary dyskinesia. Also called: Ciliary dyskinesia. Identifiers: Orphanet 244, MedGen C0008780, MONDO:0016575, HP:0012265.

Allele frequency attached by ClinVar (database versions not stated): gnomAD exomes below 0.00001; ExAC 0.00001; gnomAD 0.00001; 1000 Genomes Project 30x 0.00016; 1000 Genomes Project 0.00020.
gnomAD v4.1: 3 of 1,605,778 alleles (0.00019%); highest among the groups gnomAD compares: East Asian, 0.0022%; no homozygotes.

Submissions (2):

Ambry Genetics
Classification: Uncertain significance for Primary ciliary dyskinesia. Last evaluated: 2023-06-07. Review status: criteria provided, single submitter. Criteria: Ambry Variant Classification Scheme 2023. Collection method: clinical testing. Allele origin: germline.

Labcorp Genetics (formerly Invitae), Labcorp
Classification: Uncertain significance for Primary ciliary dyskinesia. Last evaluated: 2021-08-26. Review status: criteria provided, single submitter. Criteria: Invitae Variant Classification Sherloc (09022015). Collection method: clinical testing. Allele origin: germline.
Comment: This sequence change replaces tyrosine with cysteine at codon 1382 of the DNAH5 protein (p.Tyr1382Cys). The tyrosine residue is moderately conserved and there is a large physicochemical difference between tyrosine and cysteine. This variant is present in population databases (rs183833827, ExAC 0.01%). This variant has not been reported in the literature in individuals affected with DNAH5-related conditions. Algorithms developed to predict the effect of missense changes on protein structure and function are either unavailable or do not agree on the potential impact of this missense change (SIFT: "Deleterious"; PolyPhen-2: "Possibly Damaging"; Align-GVGD: "Class C0"). In summary, the available evidence is currently insufficient to determine the role of this variant in disease. Therefore, it has been classified as a Variant of Uncertain Significance.